The following is an entry in ClinVar:

ClinVar aggregate classification (germline): Likely pathogenic (1 of 4 stars; one submission).

Conditions:
Autosomal recessive Alport syndrome (ATS2). Also called: Alport syndrome type 2; COL4A4 Alport Syndrome and Thin Basement Membrane Nephropathy; ALPORT SYNDROME 2, AUTOSOMAL RECESSIVE; COL4A3-Related Nephropathy. Identifiers: Orphanet 63, Orphanet 88919, MedGen C4746745, MONDO:0008762, OMIM 203780.

Submission:

Myriad Genetics, Inc.
Classification: Likely pathogenic for Autosomal recessive Alport syndrome. Last evaluated: 2022-01-02. Review status: criteria provided, single submitter. Criteria: Myriad Women's Health Autosomal Recessive and X-Linked Classification Criteria (2021). Collection method: clinical testing. Allele origin: unknown.
Comment: NM_000092.4(COL4A4):c.75_76delAC(L26Yfs*34) is expected to be pathogenic in the context of COL4A4-related Alport syndrome. This variant is predicted to lead to an abnormal or absent protein product due to the creation of a premature termination codon in COL4A4, a gene where loss-of-function variants are known to be pathogenic. Please note: this variant was assessed in the context of healthy population screening.

NM_000092.5(COL4A4):c.75_76del (p.Leu26fs)

Gene: COL4A4 (collagen type IV alpha 4 chain; minus strand). Cytogenetic location: 2q36.3.
Variant type: Deletion.
Coding change: c.75_76del on transcript NM_000092.5 (MANE Select); coding-DNA positions 75 to 76, 2 bases deleted (AC; older notation c.75_76delAC).
Protein change: p.Leu26fs; shifts the reading frame from leucine 26.
Molecular consequence: frameshift variant.
Genome position (GRCh38, 1-based): chr2:227,144,554-227,144,555, GT deleted on the plus strand (AC on the coding strand, the reverse complement: COL4A4 is on the minus strand); deleting any 2 consecutive bases within chr2:227,144,554-227,144,556 gives the same sequence; the c. name uses the placement nearest the transcript's 3' end. VCF-style (leftmost placement, unchanged base first): chr2-227144553-AGT-A. GRCh37 (hg19) VCF-style: chr2-228009269-AGT-A.
Other names: short protein forms L26fs.
Identifiers: ClinVar variation 1726851 (VCV001726851.2), dbSNP rs2477162674, ClinGen allele CA2580065833.